The following is an entry in ClinVar:

NM_004329.3(BMPR1A):c.374del (p.Cys125fs)

Gene: BMPR1A (bone morphogenetic protein receptor type 1A; plus strand). Cytogenetic location: 10q23.2.
Variant type: Deletion.
Coding change: c.374del on transcript NM_004329.3 (MANE Select); coding-DNA position 374, one base deleted (G; older notation c.374delG).
Protein change: p.Cys125fs; shifts the reading frame from cysteine 125.
Molecular consequence: frameshift variant.
Genome position (GRCh38, 1-based): chr10:86,899,834, G deleted. VCF-style (leftmost placement, unchanged base first): chr10-86899833-TG-T. GRCh37 (hg19) VCF-style: chr10-88659590-TG-T.
Other names: short protein forms C125fs.
Identifiers: ClinVar variation 4726188 (VCV004726188.1), dbSNP rs1564717692.

ClinVar aggregate classification (germline): Pathogenic (1 of 4 stars; one submission).

Conditions:
Juvenile polyposis syndrome (JPS). Identifiers: Orphanet 2929, MedGen C0345893, MONDO:0017380, OMIM 174900.

Submission:

Labcorp Genetics (formerly Invitae), Labcorp
Classification: Pathogenic for Juvenile polyposis syndrome. Last evaluated: 2025-08-29. Review status: criteria provided, single submitter. Criteria: Invitae Variant Classification Sherloc (09022015). Collection method: clinical testing. Allele origin: germline.
Comment: This sequence change creates a premature translational stop signal (p.Cys125Phefs*19) in the BMPR1A gene. It is expected to result in an absent or disrupted protein product. Loss-of-function variants in BMPR1A are known to be pathogenic (PMID: 11536076, 12417513). This variant is not present in population databases (gnomAD no frequency). This variant has not been reported in the literature in individuals affected with BMPR1A-related conditions. For these reasons, this variant has been classified as Pathogenic.

Literature cited by the submitters: PubMed 11536076; PubMed 12417513.